The following is an entry in ClinVar:

NM_024101.7(MLPH):c.1197G>A (p.Gln399=)

Gene: MLPH (melanophilin; plus strand). Cytogenetic location: 2q37.3.
Variant type: single nucleotide variant.
Coding change: c.1197G>A on transcript NM_024101.7 (MANE Select); coding-DNA position 1197, G replaced by A.
Protein change: p.Gln399=; no amino-acid change (glutamine 399 retained).
Molecular consequence: synonymous variant. On other transcripts: non-coding transcript variant (1).
Genome position (GRCh38, 1-based): chr2:237,540,440, G>A. VCF-style: chr2-237540440-G-A. GRCh37 (hg19) VCF-style: chr2-238449083-G-A.
Other names: c.1113G>A, p.Gln371= (NM_001042467.3); c.993G>A, p.Gln331= (NM_001281473.2); c.768G>A, p.Gln256= (NM_001281474.2).
Identifiers: ClinVar variation 4994121 (VCV004994121.1).

ClinVar aggregate classification (germline): Likely benign (1 of 4 stars; one submission).

Conditions:
MLPH-related disorder. Also called: MLPH-related condition.

Submission:

PreventionGenetics, part of Exact Sciences
Classification: Likely benign for MLPH-related condition. Last evaluated: 2026-03-19. Review status: criteria provided, single submitter. Criteria: ACMG Guidelines, 2015. Collection method: clinical testing. Allele origin: germline.
Comment: This variant is classified as likely benign based on ACMG/AMP sequence variant interpretation guidelines (Richards et al. 2015 PMID: 25741868, with internal and published modifications).